The following is an entry in ClinVar:

NC_000006.11:g.(32007026_32007132)_(32007983_32008182)del

Gene: CYP21A2 (cytochrome P450 family 21 subfamily A member 2; plus strand). Cytogenetic location: 6p21.33.
Variant type: Deletion.
Identifiers: ClinVar variation 2503932 (VCV002503932.2).

ClinVar aggregate classification (germline): Pathogenic (1 of 4 stars; one submission).

Conditions:
Congenital adrenal hyperplasia. Identifiers: Orphanet 418, MedGen C0001627, MONDO:0018479, HP:0008258.

Submission:

Women's Health and Genetics/Laboratory Corporation of America, LabCorp
Classification: Pathogenic for Congenital adrenal hyperplasia. Last evaluated: 2024-09-12. Review status: criteria provided, single submitter. Criteria: LabCorp Variant Classification Summary - May 2015. Collection method: clinical testing. Allele origin: germline.
Comment: Variant summary: The variant involves the deletion of exons 4-7 in the CYP21A2 gene. A presumed nomenclature of c.(447+1_448-1)_(939+1_940-1)del has been designated for the purposes of this classification. It is assumed to be a tandem duplication in direct orientation (PMIDs: 25640679, 30054569). This Copy Number Variant (CNV) is predicted to result in an in-frame deletion within this gene. No structural variants are annotated for the CYP21A2 gene in the in the gnomAD database SVs v2.1 and v4.1 datasets, likely due to possible pseudogene interference. Exon 4-7 deletions/conversions have been reported in the literature in affected individuals (e.g., Xia_2022). To our knowledge, no experimental evidence demonstrating an impact on protein function has been reported. However, several missense variants and in-frame deletions have been reported within the deleted region as pathogenic by our lab and others in ClinVar and are cited in association with Adrenal hyperplasia in HGMD. No other submitters have cited clinical-significance assessments for this variant to ClinVar. Based on the evidence outlined above, the variant was classified as pathogenic.

Literature cited by the submitters: PubMed 10427156; PubMed 35882282.